The following is an entry in ClinVar:

NM_000393.5(COL5A2):c.3566A>C (p.Asn1189Thr)

Gene: COL5A2 (collagen type V alpha 2 chain; minus strand). Cytogenetic location: 2q32.2.
Variant type: single nucleotide variant.
Coding change: c.3566A>C on transcript NM_000393.5 (MANE Select); coding-DNA position 3566, A replaced by C.
Protein change: p.Asn1189Thr; replaces asparagine 1189 with threonine.
Molecular consequence: missense variant.
Genome position (GRCh38, 1-based): chr2:189,041,653, T>G on the plus strand (A>C on the coding strand, the complement: COL5A2 is on the minus strand). VCF-style: chr2-189041653-T-G. GRCh37 (hg19) VCF-style: chr2-189906379-T-G.
Other names: short protein forms N1189T.
Identifiers: ClinVar variation 3682550 (VCV003682550.2).

ClinVar aggregate classification (germline): Uncertain significance (1 of 4 stars; one submission).

Conditions:
Ehlers-Danlos syndrome, classic type, 1 (EDSCL1). Also called: EHLERS-DANLOS SYNDROME, GRAVIS TYPE; EHLERS-DANLOS SYNDROME, SEVERE CLASSIC TYPE; Ehlers-Danlos syndrome, type 1; Ehlers-Danlos Syndrome, Classic Type, COL5A1-Related; EDS I. Identifiers: MedGen C0268335, MONDO:0019567, OMIM 130000.

gnomAD v4.1: 2 of 1,614,096 alleles (0.00012%); highest among the groups gnomAD compares: Non-Finnish European, 0.00017%; no homozygotes.

Submission:

Labcorp Genetics (formerly Invitae), Labcorp
Classification: Uncertain significance for Ehlers-Danlos syndrome, classic type, 1. Last evaluated: 2024-12-15. Review status: criteria provided, single submitter. Criteria: Invitae Variant Classification Sherloc (09022015). Collection method: clinical testing. Allele origin: germline.
Comment: This sequence change replaces asparagine, which is neutral and polar, with threonine, which is neutral and polar, at codon 1189 of the COL5A2 protein (p.Asn1189Thr). This variant is not present in population databases (gnomAD no frequency). This variant has not been reported in the literature in individuals affected with COL5A2-related conditions. Invitae Evidence Modeling of protein sequence and biophysical properties (such as structural, functional, and spatial information, amino acid conservation, physicochemical variation, residue mobility, and thermodynamic stability) indicates that this missense variant is not expected to disrupt COL5A2 protein function with a negative predictive value of 80%. In summary, the available evidence is currently insufficient to determine the role of this variant in disease. Therefore, it has been classified as a Variant of Uncertain Significance.